The following is an entry in ClinVar:

ClinVar aggregate classification (germline): Benign/Likely benign. Review status: criteria provided, multiple submitters, no conflicts (2 of 4 stars). 22 submissions from 22 submitters: Benign (10); Likely benign (7). 5 of the submissions do not count toward it. Last evaluated 2026-09-01.

Conditions:
Hereditary cancer-predisposing syndrome. Also called: Neoplastic Syndromes, Hereditary; Hereditary Cancer Syndrome; Tumor predisposition; Hereditary neoplastic syndrome. Identifiers: Orphanet 140162, MedGen C0027672, MeSH D009386, MONDO:0015356.
Breast and/or ovarian cancer. Identifiers: MedGen CN221562.
Hereditary diffuse gastric adenocarcinoma (HDGC). Also called: DIFFUSE GASTRIC AND LOBULAR BREAST CANCER SYNDROME. Identifiers: Orphanet 26106, MedGen C1708349, MONDO:0007648, OMIM 137215.

Allele frequency attached by ClinVar (database versions not stated): 1000 Genomes Project 30x 0.00016; 1000 Genomes Project 0.00020; ExAC 0.00346; gnomAD exomes 0.00347 and 0.00623; gnomAD 0.00381 and 0.00398; TOPMed 0.00424; ESP Exome Variant Server 0.00446.
gnomAD v4.1: 9,574 of 1,614,000 alleles (0.59%); highest among the groups gnomAD compares: Non-Finnish European, 0.76%; 47 homozygotes.

Submissions (22):

CeGaT Center for Human Genetics Tuebingen
Classification: Benign. Last evaluated: 2026-09-01. Review status: criteria provided, single submitter. Criteria: CeGaT Center For Human Genetics Tuebingen Variant Classification Criteria Version 2. Collection method: clinical testing. Allele origin: germline. Affected: yes. Observed: 48 variant alleles.
Comment: CDH1: BS1, BS2

Labcorp Genetics (formerly Invitae), Labcorp
Classification: Benign for Hereditary diffuse gastric adenocarcinoma. Last evaluated: 2026-02-04. Review status: criteria provided, single submitter. Criteria: Invitae Variant Classification Sherloc (09022015). Collection method: clinical testing. Allele origin: germline.

Center for Genomic Medicine, Rigshospitalet, Copenhagen University Hospital
Classification: Benign. Last evaluated: 2025-03-04. Review status: criteria provided, single submitter. Criteria: ACMG Guidelines, 2015. Collection method: clinical testing. Allele origin: germline.

Blueprint Genetics
Classification: Likely benign. Last evaluated: 2024-11-27. Review status: criteria provided, single submitter. Criteria: ACMG Guidelines, 2015. Collection method: clinical testing. Allele origin: germline.

Myriad Genetics, Inc.
Classification: Benign for Hereditary diffuse gastric adenocarcinoma. Last evaluated: 2024-09-13. Review status: criteria provided, single submitter. Criteria: Myriad Autosomal Dominant, Autosomal Recessive and X-Linked Classification Criteria (2023). Collection method: clinical testing. Allele origin: unknown.
Comment: This variant is considered benign. This variant is intronic and is not expected to impact mRNA splicing. Homozygosity has been confirmed in one or more individuals. As homozygosity for pathogenic variants in this gene is generally assumed to result in embryonic lethality, this variant is unlikely to be pathogenic.

ARUP Laboratories, Molecular Genetics and Genomics, ARUP Laboratories
Classification: Benign. Last evaluated: 2024-06-12. Review status: criteria provided, single submitter. Criteria: ARUP Molecular Germline Variant Investigation Process 2024. Collection method: clinical testing. Allele origin: germline.

European Reference Network on Genetic Tumour Risk Syndromes (ERN-GENTURIS), i3s - Instituto de Investigação e Inovação em Saúde, University of Porto
Classification: Benign for Hereditary diffuse gastric adenocarcinoma. Last evaluated: 2022-08-01. Review status: criteria provided, single submitter. Criteria: Lee et al. (Hum Mutat. 2018). Collection method: clinical testing. Allele origin: germline. Inheritance: Autosomal dominant inheritance. Affected: yes. Study: ERN GENTURIS.
Comment: BA1; BS2 (PMID: 30311375)

Institute for Clinical Genetics, University Hospital TU Dresden, University Hospital TU Dresden
Classification: Likely benign. Last evaluated: 2021-11-03. Review status: criteria provided, single submitter. Criteria: ACMG Guidelines, 2015. Collection method: clinical testing. Allele origin: germline.

CHEO Genetics Diagnostic Laboratory, Children's Hospital of Eastern Ontario
Classification: Likely benign for Breast and/or ovarian cancer. Last evaluated: 2021-08-09. Review status: criteria provided, single submitter. Criteria: ACMG Guidelines, 2015. Collection method: clinical testing. Allele origin: germline.

Sema4
Classification: Benign for Hereditary cancer-predisposing syndrome. Last evaluated: 2021-05-02. Review status: criteria provided, single submitter. Criteria: Sema4 Curation Guidelines. Collection method: curation. Allele origin: germline.

Eurofins Ntd Llc (ga)
Classification: Benign. Last evaluated: 2018-04-05. Review status: criteria provided, single submitter. Criteria: EGL ClinVar v180209 classification definitions. Collection method: clinical testing. Allele origin: germline. Observed: 1 variant allele, 1 heterozygote.

Institute for Biomarker Research, Medical Diagnostic Laboratories, L.L.C.
Classification: Likely benign for Hereditary cancer-predisposing syndrome. Last evaluated: 2017-02-14. Review status: criteria provided, single submitter. Criteria: ACMG Guidelines, 2015. Collection method: clinical testing. Allele origin: germline.

Color Diagnostics, LLC DBA Color Health
Classification: Likely benign for Hereditary cancer-predisposing syndrome. Last evaluated: 2014-12-09. Review status: criteria provided, single submitter. Criteria: ACMG Guidelines, 2015. Collection method: clinical testing. Allele origin: germline.

Ambry Genetics
Classification: Benign for Hereditary cancer-predisposing syndrome. Last evaluated: 2014-12-03. Review status: criteria provided, single submitter. Criteria: Ambry General Variant Classification Scheme_2022. Collection method: clinical testing. Allele origin: germline. Observed: 1 variant allele.

GeneDx
Classification: Benign. Last evaluated: 2014-07-17. Review status: criteria provided, single submitter. Criteria: GeneDx Variant Classification (06012015). Collection method: clinical testing. Allele origin: germline. Affected: yes.
Comment: This variant is considered likely benign or benign based on one or more of the following criteria: it is a conservative change, it occurs at a poorly conserved position in the protein, it is predicted to be benign by multiple in silico algorithms, and/or has population frequency not consistent with disease.

Breakthrough Genomics
Classification: Likely benign. Review status: criteria provided, single submitter. Criteria: ACMG Guidelines, 2015. Collection method: not provided. Allele origin: germline. Inheritance: Autosomal dominant inheritance. Affected: yes.

PreventionGenetics, part of Exact Sciences
Classification: Likely benign. Review status: criteria provided, single submitter. Criteria: ACMG Guidelines, 2015. Collection method: clinical testing. Allele origin: germline.

Clinical Genetics, Academic Medical Center
Classification: Benign. Review status: no assertion criteria provided. Collection method: clinical testing. Allele origin: germline. Affected: yes. Study: VKGL Data-share Consensus. Not counted in ClinVar's aggregate classification.

Diagnostic Laboratory, Department of Genetics, University Medical Center Groningen
Classification: Likely benign. Review status: no assertion criteria provided. Collection method: clinical testing. Allele origin: germline. Affected: yes. Study: VKGL Data-share Consensus. Not counted in ClinVar's aggregate classification.

Genome Diagnostics Laboratory, Amsterdam University Medical Center
Classification: Benign. Review status: no assertion criteria provided. Collection method: clinical testing. Allele origin: germline. Affected: yes. Study: VKGL Data-share Consensus. Not counted in ClinVar's aggregate classification.

Joint Genome Diagnostic Labs from Nijmegen and Maastricht, Radboudumc and MUMC+
Classification: Likely benign. Review status: no assertion criteria provided. Collection method: clinical testing. Allele origin: germline. Affected: yes. Study: VKGL Data-share Consensus. Not counted in ClinVar's aggregate classification.

Mayo Clinic Laboratories, Mayo Clinic
Classification: Likely benign. Review status: no assertion criteria provided. Collection method: clinical testing. Allele origin: unknown. Not counted in ClinVar's aggregate classification.

Literature cited by the submitters: PubMed 36436516 (cited by European Reference Network on Genetic Tumour Risk Syndromes (ERN-GENTURIS), i3s - Instituto de Investigação e Inovação em Saúde, University of Porto); PubMed 12588804 (cited by Ambry Genetics); PubMed 15173255 (cited by Ambry Genetics); PubMed 21106365 (cited by Ambry Genetics); PubMed 23197654 (cited by Ambry Genetics); PubMed 24204729 (cited by Ambry Genetics).

NM_004360.5(CDH1):c.532-18C>T

Gene: CDH1 (cadherin 1; plus strand). Cytogenetic location: 16q22.1.
Variant type: single nucleotide variant.
Coding change: c.532-18C>T on transcript NM_004360.5 (MANE Select); 18 bases into the intron before coding-DNA position 532, C replaced by T.
Molecular consequence: intron variant.
Genome position (GRCh38, 1-based): chr16:68,808,675, C>T. VCF-style: chr16-68808675-C-T. GRCh37 (hg19) VCF-style: chr16-68842578-C-T.
Other names: IVS4-18C>T; c.-1084-18C>T (NM_001317185.2); c.-1288-18C>T (NM_001317186.2); c.532-18C>T (NM_001317184.2, LRG_301t1).
Identifiers: ClinVar variation 127931 (VCV000127931.88), dbSNP rs200673941, ClinGen allele CA288073.